The following is an entry in ClinVar:

ClinVar aggregate classification (germline): Benign/Likely benign. Review status: criteria provided, multiple submitters, no conflicts (2 of 4 stars). 7 submissions from 7 submitters: Benign (1); Likely benign (5). 1 of the submissions does not count toward it. Last evaluated 2026-03-01.

Conditions:
Lissencephaly 9 with complex brainstem malformation. Identifiers: Orphanet 572013, MedGen C5193029, MONDO:0032677, OMIM 618325.
MACF1-related disorder. Also called: MACF1-related condition.

Allele frequency attached by ClinVar (database versions not stated): 1000 Genomes Project 0.00060; 1000 Genomes Project 30x 0.00062; gnomAD exomes 0.00101 and 0.00159; gnomAD 0.00112 and 0.00147; ESP Exome Variant Server 0.00131; ExAC 0.00154; TOPMed 0.00193.
gnomAD v4.1: 1,753 of 1,603,360 alleles (0.11%); highest among the groups gnomAD compares: Middle Eastern, 0.3%; 11 homozygotes.

Submissions (13):

CeGaT Center for Human Genetics Tuebingen
Classification: Benign. Last evaluated: 2026-03-01. Review status: criteria provided, single submitter. Criteria: CeGaT Center For Human Genetics Tuebingen Variant Classification Criteria Version 2. Collection method: clinical testing. Allele origin: germline. Affected: yes. Observed: 3 variant alleles.
Comment: MACF1: BS1, BS2

Labcorp Genetics (formerly Invitae), Labcorp
Classification: Likely benign. Last evaluated: 2025-10-08. Review status: criteria provided, single submitter. Criteria: Invitae Variant Classification Sherloc (09022015). Collection method: clinical testing. Allele origin: germline.

Blueprint Genetics
Classification: Likely benign. Last evaluated: 2024-11-22. Review status: criteria provided, single submitter. Criteria: ACMG Guidelines, 2015. Collection method: clinical testing. Allele origin: germline.

Genome-Nilou Lab
Classification: Likely benign for Lissencephaly 9 with complex brainstem malformation. Last evaluated: 2023-04-11. Review status: criteria provided, single submitter. Criteria: ACMG Guidelines, 2015. Collection method: clinical testing. Allele origin: germline. Affected: no.

Fulgent Genetics
Classification: Likely benign for Lissencephaly 9 with complex brainstem malformation. Last evaluated: 2021-09-01. Review status: criteria provided, single submitter. Criteria: ACMG Guidelines, 2015. Collection method: clinical testing. Allele origin: unknown.

Breakthrough Genomics
Classification: Likely benign. Review status: criteria provided, single submitter. Criteria: ACMG Guidelines, 2015. Collection method: not provided. Allele origin: germline. Inheritance: Autosomal dominant inheritance. Affected: yes.

PreventionGenetics, part of Exact Sciences
Classification: Benign for MACF1-related condition. Last evaluated: 2019-09-18. Review status: no assertion criteria provided. Collection method: clinical testing. Allele origin: germline. Not counted in ClinVar's aggregate classification.
Comment: This variant is classified as benign based on ACMG/AMP sequence variant interpretation guidelines (Richards et al. 2015 PMID: 25741868, with internal and published modifications).

Dr. Peter K. Rogan Lab, Western University
No classification provided (evidence only). Condition: Lung cancer. Review status: no classification provided. Collection method: in vitro. Allele origin: not applicable. Functional consequence: retained intron. Not counted in ClinVar's aggregate classification.

Dr. Peter K. Rogan Lab, Western University
No classification provided (evidence only). Condition: Acute myeloid leukemia. Review status: no classification provided. Collection method: in vitro. Allele origin: not applicable. Functional consequence: retained intron. Not counted in ClinVar's aggregate classification.

Dr. Peter K. Rogan Lab, Western University
No classification provided (evidence only). Condition: Colon adenocarcinoma. Review status: no classification provided. Collection method: in vitro. Allele origin: not applicable. Functional consequence: retained intron. Not counted in ClinVar's aggregate classification.

Dr. Peter K. Rogan Lab, Western University
No classification provided (evidence only). Condition: Thyroid cancer, nonmedullary, 1. Review status: no classification provided. Collection method: in vitro. Allele origin: not applicable. Functional consequence: retained intron. Not counted in ClinVar's aggregate classification.

Dr. Peter K. Rogan Lab, Western University
No classification provided (evidence only). Condition: Sarcoma. Review status: no classification provided. Collection method: in vitro. Allele origin: not applicable. Functional consequence: retained intron. Not counted in ClinVar's aggregate classification.

Dr. Peter K. Rogan Lab, Western University
No classification provided (evidence only). Condition: Ovarian serous cystadenocarcinoma. Review status: no classification provided. Collection method: in vitro. Allele origin: not applicable. Functional consequence: skipped exon, retained intron. Not counted in ClinVar's aggregate classification.

NM_001394062.1(MACF1):c.16482G>A (p.Leu5494=)

Gene: MACF1 (microtubule actin crosslinking factor 1; plus strand). Cytogenetic location: 1p34.3.
Variant type: single nucleotide variant.
Coding change: c.16482G>A on transcript NM_001394062.1 (MANE Select); coding-DNA position 16482, G replaced by A.
Protein change: p.Leu5494=; no amino-acid change (leucine 5494 retained).
Molecular consequence: synonymous variant.
Genome position (GRCh38, 1-based): chr1:39,427,966, G>A. VCF-style: chr1-39427966-G-A. GRCh37 (hg19) VCF-style: chr1-39893638-G-A.
Other names: c.10296G>A, p.Leu3432= (NM_012090.5).
Identifiers: ClinVar variation 726620 (VCV000726620.38), dbSNP rs41307884, ClinGen allele CA783371.